The following is an entry in ClinVar:

NM_001352754.2(ARMC9):c.2433G>A (p.Pro811=)

Gene: ARMC9 (armadillo repeat containing 9; plus strand). Cytogenetic location: 2q37.1.
Variant type: single nucleotide variant.
Coding change: c.2433G>A on transcript NM_001352754.2 (MANE Select); coding-DNA position 2433, G replaced by A.
Protein change: p.Pro811=; no amino-acid change (proline 811 retained).
Molecular consequence: synonymous variant.
Genome position (GRCh38, 1-based): chr2:231,370,124, G>A. VCF-style: chr2-231370124-G-A. GRCh37 (hg19) VCF-style: chr2-232234835-G-A.
Other names: c.2433G>A, p.Pro811= (NM_001271466.4).
Identifiers: ClinVar variation 1945432 (VCV001945432.5), dbSNP rs1322943210, ClinGen allele CA431742779.

ClinVar aggregate classification (germline): Uncertain significance (1 of 4 stars; one submission).

Allele frequency attached by ClinVar (database versions not stated): gnomAD exomes below 0.00001; gnomAD 0.00001; TOPMed 0.00002.
gnomAD v4.1: 6 of 1,524,006 alleles (0.00039%); highest among the groups gnomAD compares: Admixed American, 0.002%; no homozygotes.

Submission:

Labcorp Genetics (formerly Invitae), Labcorp
Classification: Uncertain significance. Last evaluated: 2022-09-27. Review status: criteria provided, single submitter. Criteria: Invitae Variant Classification Sherloc (09022015). Collection method: clinical testing. Allele origin: germline.
Comment: In summary, the available evidence is currently insufficient to determine the role of this variant in disease. Therefore, it has been classified as a Variant of Uncertain Significance. Algorithms developed to predict the effect of sequence changes on RNA splicing suggest that this variant may create or strengthen a splice site. This variant has not been reported in the literature in individuals affected with ARMC9-related conditions. This variant is present in population databases (no rsID available, gnomAD 0.003%). This sequence change affects codon 811 of the ARMC9 mRNA. It is a 'silent' change, meaning that it does not change the encoded amino acid sequence of the ARMC9 protein. It affects a nucleotide within the consensus splice site.